The following is an entry in ClinVar:

ClinVar aggregate classification (germline): Conflicting classifications of pathogenicity. Review status: criteria provided, conflicting classifications (1 of 4 stars). 2 submissions from 2 submitters: Uncertain significance (1); Likely benign (1). Last evaluated 2024-11-27.

Conditions:
Developmental and epileptic encephalopathy 94 (DEE94). Also called: CHD2-Related Neurodevelopmental Disorders; Epileptic encephalopathy, childhood-onset. Identifiers: Orphanet 1942, Orphanet 2382, MedGen C3809278, MONDO:0014150, OMIM 615369.

Allele frequency attached by ClinVar (database versions not stated): gnomAD exomes below 0.00001 and 0.00001; TOPMed 0.00001.
gnomAD v4.1: 12 of 1,613,830 alleles (0.00074%); highest among the groups gnomAD compares: South Asian, 0.0033%; no homozygotes.

Submissions (2):

Labcorp Genetics (formerly Invitae), Labcorp
Classification: Uncertain significance for Developmental and epileptic encephalopathy 94. Last evaluated: 2024-11-27. Review status: criteria provided, single submitter. Criteria: Invitae Variant Classification Sherloc (09022015). Collection method: clinical testing. Allele origin: germline.
Comment: This sequence change replaces valine, which is neutral and non-polar, with isoleucine, which is neutral and non-polar, at codon 540 of the CHD2 protein (p.Val540Ile). This variant is present in population databases (no rsID available, gnomAD 0.004%). This missense change has been observed in individual(s) with drug-resistant epilepsy (PMID: 30868116). ClinVar contains an entry for this variant (Variation ID: 513906). Invitae Evidence Modeling of protein sequence and biophysical properties (such as structural, functional, and spatial information, amino acid conservation, physicochemical variation, residue mobility, and thermodynamic stability) has been performed for this missense variant. However, the output from this modeling did not meet the statistical confidence thresholds required to predict the impact of this variant on CHD2 protein function. In summary, the available evidence is currently insufficient to determine the role of this variant in disease. Therefore, it has been classified as a Variant of Uncertain Significance.

GeneDx
Classification: Likely benign. Last evaluated: 2020-07-13. Review status: criteria provided, single submitter. Criteria: GeneDx Variant Classification Process June 2021. Collection method: clinical testing. Allele origin: germline. Affected: yes.
Comment: This variant is associated with the following publications: (PMID: 30868116)

Literature cited by the submitters: PubMed 30868116 (cited by Labcorp Genetics (formerly Invitae), Labcorp).

NM_001271.4(CHD2):c.1618G>A (p.Val540Ile)

Gene: CHD2 (chromodomain helicase DNA binding protein 2; plus strand). Cytogenetic location: 15q26.1.
Variant type: single nucleotide variant.
Coding change: c.1618G>A on transcript NM_001271.4 (MANE Select); coding-DNA position 1618, G replaced by A.
Protein change: p.Val540Ile; replaces valine 540 with isoleucine.
Molecular consequence: missense variant.
Genome position (GRCh38, 1-based): chr15:92,953,472, G>A. VCF-style: chr15-92953472-G-A. GRCh37 (hg19) VCF-style: chr15-93496702-G-A.
Other names: short protein forms V540I.
Identifiers: ClinVar variation 513906 (VCV000513906.11), dbSNP rs1368222485, ClinGen allele CA393905100.